The following is an entry in ClinVar:

ClinVar aggregate classification (germline): Pathogenic. Review status: criteria provided, multiple submitters, no conflicts (2 of 4 stars). 2 submissions from 2 submitters: Pathogenic (2). Last evaluated 2025-06-21.

Conditions:
3-methylcrotonyl-CoA carboxylase 2 deficiency. Also called: METHYLCROTONYLGLYCINURIA, TYPE II; 3 alpha methylcrotonyl-CoA carboxylase 2 deficiency; 3 alpha methylcrotonylglycinuria 2; MCC 2 deficiency; Methylcrotonylglycinuria type 2. Identifiers: Orphanet 6, MedGen C1859499, MONDO:0008862, OMIM 210210.

Allele frequency attached by ClinVar (database versions not stated): gnomAD 0.00001.

Submissions (2):

Myriad Genetics, Inc.
Classification: Pathogenic for 3-methylcrotonyl-CoA carboxylase 2 deficiency. Last evaluated: 2025-06-21. Review status: criteria provided, single submitter. Criteria: Myriad Autosomal Dominant, Autosomal Recessive and X-Linked Classification Criteria (2023). Collection method: clinical testing. Allele origin: unknown.
Comment: NM_022132.4(MCCC2):c.1234delG(E412Sfs*26) is expected to be pathogenic in the context of 3-methylcrotonyl-CoA carboxylase deficiency, MCCC2-related. This variant is predicted to lead to an abnormal or absent protein product due to the creation of a premature termination codon in MCCC2, a gene where loss-of-function variants are known to be pathogenic. Please note: this variant was assessed in the context of healthy population screening.

Labcorp Genetics (formerly Invitae), Labcorp
Classification: Pathogenic for 3-methylcrotonyl-CoA carboxylase 2 deficiency. Last evaluated: 2022-07-14. Review status: criteria provided, single submitter. Criteria: Invitae Variant Classification Sherloc (09022015). Collection method: clinical testing. Allele origin: germline.
Comment: For these reasons, this variant has been classified as Pathogenic. This variant has not been reported in the literature in individuals affected with MCCC2-related conditions. This variant is not present in population databases (gnomAD no frequency). This sequence change creates a premature translational stop signal (p.Glu412Serfs*26) in the MCCC2 gene. It is expected to result in an absent or disrupted protein product. Loss-of-function variants in MCCC2 are known to be pathogenic (PMID: 11181649, 22642865).

Literature cited by the submitters: PubMed 11181649 (cited by Labcorp Genetics (formerly Invitae), Labcorp); PubMed 22642865 (cited by Labcorp Genetics (formerly Invitae), Labcorp).

NM_022132.5(MCCC2):c.1234del (p.Glu412fs)

Gene: MCCC2 (methylcrotonyl-CoA carboxylase subunit 2; plus strand). Cytogenetic location: 5q13.2.
Variant type: Deletion.
Coding change: c.1234del on transcript NM_022132.5 (MANE Select); coding-DNA position 1234, one base deleted (G; older notation c.1234delG).
Protein change: p.Glu412fs; shifts the reading frame from glutamic acid 412.
Molecular consequence: frameshift variant.
Genome position (GRCh38, 1-based): chr5:71,649,114, G deleted. VCF-style (leftmost placement, unchanged base first): chr5-71649113-AG-A. GRCh37 (hg19) VCF-style: chr5-70944940-AG-A.
Other names: c.1120del, p.Glu374fs (NM_001363147.1); short protein forms E374fs, E412fs.
Identifiers: ClinVar variation 1939186 (VCV001939186.6), dbSNP rs1747357327, ClinGen allele CA1077350129.